The following is an entry in ClinVar:

ClinVar aggregate classification (germline): Uncertain significance (1 of 4 stars; one submission).

Conditions:
PCNT-related disorder. Also called: PCNT-related condition.

gnomAD v4.1: 1 of 1,614,134 alleles (0.000062%); highest among the groups gnomAD compares: Admixed American, 0.0017%; no homozygotes.

Submission:

PreventionGenetics, part of Exact Sciences
Classification: Uncertain significance for PCNT-related condition. Last evaluated: 2026-01-26. Review status: criteria provided, single submitter. Criteria: ACMG Guidelines, 2015. Collection method: clinical testing. Allele origin: germline.
Comment: The PCNT c.9326T>C variant is predicted to result in the amino acid substitution p.Leu3109Pro. To our knowledge, this variant has not been reported in the literature. This variant is reported in 0.0029% of alleles in individuals of Latino descent in gnomAD. At this time, the clinical significance of this variant is uncertain due to the absence of conclusive functional and genetic evidence.

NM_006031.6(PCNT):c.9326T>C (p.Leu3109Pro)

Gene: PCNT (pericentrin; plus strand). Cytogenetic location: 21q22.3.
Variant type: single nucleotide variant.
Coding change: c.9326T>C on transcript NM_006031.6 (MANE Select); coding-DNA position 9326, T replaced by C.
Protein change: p.Leu3109Pro; replaces leucine 3109 with proline.
Molecular consequence: missense variant.
Genome position (GRCh38, 1-based): chr21:46,440,135, T>C. VCF-style: chr21-46440135-T-C. GRCh37 (hg19) VCF-style: chr21-47860048-T-C.
Other names: c.8735T>C, p.Leu2912Pro (NM_001315529.2); short protein forms L2912P, L3109P.
Identifiers: ClinVar variation 4987373 (VCV004987373.1).